The following is an entry in ClinVar:

ClinVar aggregate classification (germline): Uncertain significance (0 of 4 stars; one submission).

Conditions:
EDNRB-related disorder. Also called: EDNRB-related disorders; EDNRB-related condition.

gnomAD v4.1: 4 of 1,612,642 alleles (0.00025%); highest among the groups gnomAD compares: Admixed American, 0.0017%; no homozygotes.

Submission:

PreventionGenetics, part of Exact Sciences
Classification: Uncertain significance for EDNRB-related condition. Last evaluated: 2024-06-12. Review status: no assertion criteria provided. Collection method: clinical testing. Allele origin: germline.
Comment: The EDNRB c.161G>T variant is predicted to result in the amino acid substitution p.Arg54Leu. To our knowledge, this variant has not been reported in the literature or in a large population database, indicating this variant is rare. At this time, the clinical significance of this variant is uncertain due to the absence of conclusive functional and genetic evidence.

NM_001201397.2(EDNRB):c.161G>T (p.Arg54Leu)

Genes: EDNRB (endothelin receptor type B; minus strand), LOC107882129 (EDNRB proximal promoter region; plus strand). Cytogenetic location: 13q22.3.
Variant type: single nucleotide variant.
Coding change: c.161G>T on transcript NM_001201397.2; coding-DNA position 161, G replaced by T.
Protein change: p.Arg54Leu; replaces arginine 54 with leucine.
Molecular consequence: missense variant. On other transcripts: intron variant (1).
Genome position (GRCh38, 1-based): chr13:77,919,455, C>A on the plus strand (G>T on the coding strand, the complement: EDNRB is on the minus strand). VCF-style: chr13-77919455-C-A. GRCh37 (hg19) VCF-style: chr13-78493590-C-A.
Other names: c.-51-831G>T (NM_000115.5); short protein forms R54L.
Identifiers: ClinVar variation 3346472 (VCV003346472.1).